The following is an entry in ClinVar:

NM_032638.5(GATA2):c.1281dup (p.Phe428fs)

Gene: GATA2 (GATA binding protein 2; minus strand). Cytogenetic location: 3q21.3.
Variant type: Duplication.
Coding change: c.1281dup on transcript NM_032638.5 (MANE Select); coding-DNA position 1281, one base duplicated (C; older notation c.1281dupC).
Protein change: p.Phe428fs; shifts the reading frame from phenylalanine 428.
Molecular consequence: frameshift variant.
Genome position (GRCh38, 1-based): chr3:128,481,181, G duplicated on the plus strand (C on the coding strand, the reverse complement: GATA2 is on the minus strand); the first of 5 consecutive G bases (chr3:128,481,181-128,481,185); duplicating any one gives the same sequence. VCF-style (leftmost placement, unchanged base first): chr3-128481180-A-AG. GRCh37 (hg19) VCF-style: chr3-128200023-A-AG.
Other names: c.1281dup, p.Phe428fs (NM_001145661.2); c.1239dup, p.Phe414fs (NM_001145662.1); short protein forms F414fs, F428fs.
Identifiers: ClinVar variation 1184015 (VCV001184015.1), dbSNP rs2107667915, ClinGen allele CA2499216425.

ClinVar aggregate classification (germline): Pathogenic (1 of 4 stars; one submission).

Conditions:
Deafness-lymphedema-leukemia syndrome. Also called: Emberger syndrome; Lymphedema, primary, with myelodysplasia. Identifiers: Orphanet 3226, MedGen C3279664, MONDO:0013540, OMIM 614038.
GATA2 deficiency with susceptibility to MDS/AML. Identifiers: MedGen CN300066, MONDO:0042982.

Submission:

Molecular Pathology Research Laboratory, SA Pathology
Classification: Pathogenic for GATA2 deficiency with susceptibility to MDS/AML; Deafness-lymphedema-leukemia syndrome. Last evaluated: 2021-07-06. Review status: criteria provided, single submitter. Criteria: ACMG Guidelines, 2015. Collection method: curation. Allele origin: unknown. Inheritance: Autosomal dominant inheritance. Affected: yes. Observed: 1 variant allele.
Comment: PVS1, PS4_Supporting, PM2

Literature cited by the submitters: PubMed 23443460.